The following is an entry in ClinVar:

NM_001376.5(DYNC1H1):c.9093G>A (p.Thr3031=)

Genes: DYNC1H1 (dynein cytoplasmic 1 heavy chain 1; plus strand), LOC126862060 (BRD4-independent group 4 enhancer GRCh37_chr14:102493659-102494858; plus strand). Cytogenetic location: 14q32.31.
Variant type: single nucleotide variant.
Coding change: c.9093G>A on transcript NM_001376.5 (MANE Select); coding-DNA position 9093, G replaced by A.
Protein change: p.Thr3031=; no amino-acid change (threonine 3031 retained).
Molecular consequence: synonymous variant.
Genome position (GRCh38, 1-based): chr14:102,027,663, G>A. VCF-style: chr14-102027663-G-A. GRCh37 (hg19) VCF-style: chr14-102494000-G-A.
Identifiers: ClinVar variation 472560 (VCV000472560.44), dbSNP rs145208135, ClinGen allele CA7353167.

ClinVar aggregate classification (germline): Likely benign. Review status: criteria provided, multiple submitters, no conflicts (2 of 4 stars). 7 submissions from 6 submitters: Likely benign (7). Last evaluated 2025-12-29.

Conditions:
Autosomal dominant cerebellar ataxia. Also called: Spinocerebellar Ataxia, Dominant. Identifiers: Orphanet 99, MedGen C4087347, MONDO:0020380.
DYNC1H1-related disorder. Also called: DYNC1H1-related condition; DYNC1H1-related disorders. Identifiers: MedGen CN381529.
Charcot-Marie-Tooth disease axonal type 2O. Also called: CHARCOT-MARIE-TOOTH NEUROPATHY, AXONAL, TYPE 2O; CHARCOT-MARIE-TOOTH DISEASE, AXONAL, AUTOSOMAL DOMINANT, TYPE 2O; Charcot-Marie-Tooth Neuropathy Type 2O; Charcot-Marie-Tooth disease, axonal, type 20. Identifiers: Orphanet 284232, MedGen C3280220, MONDO:0013644, OMIM 614228.

Allele frequency attached by ClinVar (database versions not stated): gnomAD 0.00021 and 0.00019; ESP Exome Variant Server 0.00023; TOPMed 0.00027; gnomAD exomes 0.00004 and 0.00007; ExAC 0.00012.
gnomAD v4.1: 86 of 1,614,002 alleles (0.0053%); highest among the groups gnomAD compares: African/African-American, 0.052%; 2 homozygotes.

Submissions (7):

PreventionGenetics, part of Exact Sciences
Classification: Likely benign for DYNC1H1-related condition. Last evaluated: 2025-12-29. Review status: criteria provided, single submitter. Criteria: ACMG Guidelines, 2015. Collection method: clinical testing. Allele origin: germline.
Comment: This variant is classified as likely benign based on ACMG/AMP sequence variant interpretation guidelines (Richards et al. 2015 PMID: 25741868, with internal and published modifications).

CeGaT Center for Human Genetics Tuebingen
Classification: Likely benign. Last evaluated: 2025-11-01. Review status: criteria provided, single submitter. Criteria: CeGaT Center For Human Genetics Tuebingen Variant Classification Criteria Version 2. Collection method: clinical testing. Allele origin: germline. Affected: yes. Observed: 2 variant alleles.
Comment: DYNC1H1: BP4, BP7

Labcorp Genetics (formerly Invitae), Labcorp
Classification: Likely benign for Charcot-Marie-Tooth disease axonal type 2O. Last evaluated: 2025-10-15. Review status: criteria provided, single submitter. Criteria: Invitae Variant Classification Sherloc (09022015). Collection method: clinical testing. Allele origin: germline.

Blueprint Genetics
Classification: Likely benign. Last evaluated: 2023-07-25. Review status: criteria provided, single submitter. Criteria: ACMG Guidelines, 2015. Collection method: clinical testing. Allele origin: germline.

GeneDx
Classification: Likely benign. Last evaluated: 2020-03-26. Review status: criteria provided, single submitter. Criteria: GeneDx Variant Classification Process June 2021. Collection method: clinical testing. Allele origin: germline. Affected: yes.

Illumina Laboratory Services, Illumina
Classification: Likely benign for Spinocerebellar Ataxia, Dominant. Last evaluated: 2018-01-12. Review status: criteria provided, single submitter. Criteria: ICSL Variant Classification Criteria 13 December 2019. Collection method: clinical testing. Allele origin: germline.
Comment: This variant was observed in the ICSL laboratory as part of a predisposition screen in an ostensibly healthy population. It had not been previously curated by ICSL or reported in the Human Gene Mutation Database (HGMD: prior to June 1st, 2018), and was therefore a candidate for classification through an automated scoring system. Utilizing variant allele frequency, disease prevalence and penetrance estimates, and inheritance mode, an automated score was calculated to assess if this variant is too frequent to cause the disease. Based on the score and internal cut-off values, a variant classified as likely benign is not then subjected to further curation. The score for this variant resulted in a classification of likely benign for this disease.

Illumina Laboratory Services, Illumina
Classification: Likely benign for Charcot-Marie-Tooth disease axonal type 2O. Last evaluated: 2018-01-12. Review status: criteria provided, single submitter. Criteria: ICSL Variant Classification Criteria 13 December 2019. Collection method: clinical testing. Allele origin: germline.
Comment: the same text as in the submission from Illumina Laboratory Services, Illumina above.